The following is an entry in ClinVar:

NM_199242.3(UNC13D):c.3170T>C (p.Leu1057Pro)

Gene: UNC13D (unc-13 homolog D; minus strand). Cytogenetic location: 17q25.1.
Variant type: single nucleotide variant.
Coding change: c.3170T>C on transcript NM_199242.3 (MANE Select); coding-DNA position 3170, T replaced by C.
Protein change: p.Leu1057Pro; replaces leucine 1057 with proline.
Molecular consequence: missense variant.
Genome position (GRCh38, 1-based): chr17:75,828,068, A>G on the plus strand (T>C on the coding strand, the complement: UNC13D is on the minus strand). VCF-style: chr17-75828068-A-G. GRCh37 (hg19) VCF-style: chr17-73824149-A-G.
Other names: short protein forms L1057P.
Identifiers: ClinVar variation 1940079 (VCV001940079.6), dbSNP rs979518180, ClinGen allele CA294084028.

ClinVar aggregate classification (germline): Uncertain significance. Review status: criteria provided, multiple submitters, no conflicts (2 of 4 stars). 2 submissions from 2 submitters: Uncertain significance (2). Last evaluated 2023-12-16.

Conditions:
Familial hemophagocytic lymphohistiocytosis 3 (FHL3). Also called: UNC13D-Related Familial Hemophagocytic Lymphohistiocytosis (UNC13D-fHLH). Identifiers: Orphanet 540, MedGen C1837174, MONDO:0012146, OMIM 608898.
Inborn genetic diseases. Identifiers: MedGen C0950123, MeSH D030342.

Allele frequency attached by ClinVar (database versions not stated): gnomAD exomes below 0.00001.
gnomAD v4.1: 2 of 1,574,368 alleles (0.00013%); highest among the groups gnomAD compares: Admixed American, 0.0019%; no homozygotes.

Submissions (2):

Ambry Genetics
Classification: Uncertain significance for Inborn genetic diseases. Last evaluated: 2023-12-16. Review status: criteria provided, single submitter. Criteria: Ambry Variant Classification Scheme 2023. Collection method: clinical testing. Allele origin: germline.

Labcorp Genetics (formerly Invitae), Labcorp
Classification: Uncertain significance for Familial hemophagocytic lymphohistiocytosis 3. Last evaluated: 2022-03-19. Review status: criteria provided, single submitter. Criteria: Invitae Variant Classification Sherloc (09022015). Collection method: clinical testing. Allele origin: germline.
Comment: In summary, the available evidence is currently insufficient to determine the role of this variant in disease. Therefore, it has been classified as a Variant of Uncertain Significance. Algorithms developed to predict the effect of missense changes on protein structure and function are either unavailable or do not agree on the potential impact of this missense change (SIFT: "Not Available"; PolyPhen-2: "Probably Damaging"; Align-GVGD: "Not Available"). This variant has not been reported in the literature in individuals affected with UNC13D-related conditions. This variant is not present in population databases (gnomAD no frequency). This sequence change replaces leucine, which is neutral and non-polar, with proline, which is neutral and non-polar, at codon 1057 of the UNC13D protein (p.Leu1057Pro).